The following is an entry in ClinVar:

NM_001267550.2(TTN):c.73705G>C (p.Val24569Leu)

Genes: TTN (titin; minus strand), TTN-AS1 (TTN antisense RNA 1; plus strand). Cytogenetic location: 2q31.2.
Variant type: single nucleotide variant.
Coding change: c.73705G>C on transcript NM_001267550.2 (MANE Select); coding-DNA position 73705, G replaced by C.
Protein change: p.Val24569Leu; replaces valine 24569 with leucine.
Molecular consequence: missense variant.
Genome position (GRCh38, 1-based): chr2:178,572,427, C>G on the plus strand (G>C on the coding strand, the complement: TTN is on the minus strand). VCF-style: chr2-178572427-C-G. GRCh37 (hg19) VCF-style: chr2-179437154-C-G.
Other names: c.68782G>C, p.Val22928Leu (NM_001256850.1); c.46510G>C, p.Val15504Leu (NM_003319.4); c.66001G>C, p.Val22001Leu (NM_133378.4); c.46885G>C, p.Val15629Leu (NM_133432.3); c.47086G>C, p.Val15696Leu (NM_133437.4); short protein forms V22928L, V24569L, V15696L, V15629L, V15504L, V22001L.
Identifiers: ClinVar variation 513987 (VCV000513987.35), dbSNP rs755676676, ClinGen allele CA1990332.

ClinVar aggregate classification (germline): Conflicting classifications of pathogenicity. Review status: criteria provided, conflicting classifications (1 of 4 stars). 4 submissions from 4 submitters: Uncertain significance (3); Likely benign (1). Last evaluated 2026-03-11.

Conditions:
TTN-related disorder. Also called: TTN-related condition; TTN-related disease; TTN-related disorders.

Allele frequency attached by ClinVar (database versions not stated): gnomAD 0.00001; TOPMed 0.00002.
gnomAD v4.1: 20 of 1,612,802 alleles (0.0012%); highest among the groups gnomAD compares: Non-Finnish European, 0.0017%; no homozygotes.

Submissions (4):

Women's Health and Genetics/Laboratory Corporation of America, LabCorp
Classification: Uncertain significance. Last evaluated: 2026-03-11. Review status: criteria provided, single submitter. Criteria: LabCorp Variant Classification Summary - May 2015. Collection method: clinical testing. Allele origin: germline.
Comment: Variant summary: TTN c.66001G>C (p.Val22001Leu) results in a conservative amino acid change in the encoded protein sequence. Algorithms developed to predict the effect of missense changes on protein structure and function are either unavailable or do not agree on the potential impact of this missense change. The variant allele was found at a frequency of 1.6e-05 in 248388 control chromosomes. The available data on variant occurrences in the general population are insufficient to allow any conclusion about variant significance. To our knowledge, c.66001G>C has not been observed in individual(s) affected with Autosomal Recessive Titinopathy and no experimental evidence demonstrating an impact on protein function have been reported. The following publication has been ascertained in the context of this evaluation (PMID: 31862442). ClinVar contains an entry for this variant (Variation ID: 513987). Based on the evidence outlined above, the variant was classified as uncertain significance.

PreventionGenetics, part of Exact Sciences
Classification: Uncertain significance for TTN-related condition. Last evaluated: 2025-07-18. Review status: criteria provided, single submitter. Criteria: ACMG Guidelines, 2015. Collection method: clinical testing. Allele origin: germline.
Comment: The TTN c.73705G>C variant is predicted to result in the amino acid substitution p.Val24569Leu. This variant has been reported in an individual with distal myopathy (ID #MD-27 in Table 2, Meinke et al. 2020. PubMed ID: 31862442). This variant is reported in 0.0036% of alleles in individuals of European (Non-Finnish) descent in gnomAD. At this time, the clinical significance of this variant is uncertain due to the absence of conclusive functional and genetic evidence.

CeGaT Center for Human Genetics Tuebingen
Classification: Uncertain significance. Last evaluated: 2024-02-01. Review status: criteria provided, single submitter. Criteria: CeGaT Center For Human Genetics Tuebingen Variant Classification Criteria Version 2. Collection method: clinical testing. Allele origin: germline. Affected: yes. Observed: 2 variant alleles.

GeneDx
Classification: Likely benign. Last evaluated: 2017-12-04. Review status: criteria provided, single submitter. Criteria: GeneDx Variant Classification (06012015). Collection method: clinical testing. Allele origin: germline. Affected: yes.
Comment: This variant is considered likely benign or benign based on one or more of the following criteria: it is a conservative change, it occurs at a poorly conserved position in the protein, it is predicted to be benign by multiple in silico algorithms, and/or has population frequency not consistent with disease.

Literature cited by the submitters: PubMed 31862442 (cited by Women's Health and Genetics/Laboratory Corporation of America, LabCorp).